The following is an entry in ClinVar:

ClinVar aggregate classification (germline): Pathogenic (1 of 4 stars; one submission).

Conditions:
Fanconi anemia (FA). Also called: Fanconi's anemia. Identifiers: Orphanet 84, MedGen C0015625, MeSH D005199, MONDO:0019391.

Submission:

Labcorp Genetics (formerly Invitae), Labcorp
Classification: Pathogenic for Fanconi anemia. Last evaluated: 2022-12-26. Review status: criteria provided, single submitter. Criteria: Invitae Variant Classification Sherloc (09022015). Collection method: clinical testing. Allele origin: germline.
Comment: This variant is not present in population databases (gnomAD no frequency). For these reasons, this variant has been classified as Pathogenic. This variant has not been reported in the literature in individuals affected with FANCI-related conditions. This sequence change creates a premature translational stop signal (p.Gln618*) in the FANCI gene. It is expected to result in an absent or disrupted protein product. Loss-of-function variants in FANCI are known to be pathogenic (PMID: 17452773, 17460694).

Literature cited by the submitters: PubMed 17452773; PubMed 17460694.

NM_001113378.2(FANCI):c.1852C>T (p.Gln618Ter)

Gene: FANCI (FA complementation group I; plus strand). Cytogenetic location: 15q26.1.
Variant type: single nucleotide variant.
Coding change: c.1852C>T on transcript NM_001113378.2 (MANE Select); coding-DNA position 1852, C replaced by T.
Protein change: p.Gln618Ter; replaces glutamine 618 with a stop codon.
Molecular consequence: nonsense.
Genome position (GRCh38, 1-based): chr15:89,290,243, C>T. VCF-style: chr15-89290243-C-T. GRCh37 (hg19) VCF-style: chr15-89833474-C-T.
Other names: c.1852C>T, p.Gln618Ter (NM_001376911.1, NM_018193.3); c.1573C>T, p.Gln525Ter (NM_001376910.1); short protein forms Q618*, Q525*.
Identifiers: ClinVar variation 2870294 (VCV002870294.3), dbSNP rs2151689678, ClinGen allele CA393747638.